The following is an entry in ClinVar:

NM_004415.4(DSP):c.5717_5718del (p.Ile1906fs)

Gene: DSP (desmoplakin; plus strand). Cytogenetic location: 6p24.3.
Variant type: Deletion.
Coding change: c.5717_5718del on transcript NM_004415.4 (MANE Select); coding-DNA positions 5717 to 5718, 2 bases deleted (TC; older notation c.5717_5718delTC).
Protein change: p.Ile1906fs; shifts the reading frame from isoleucine 1906.
Molecular consequence: frameshift variant.
Genome position (GRCh38, 1-based): chr6:7,582,979-7,582,980, TC deleted. VCF-style (leftmost placement, unchanged base first): chr6-7582978-ATC-A. GRCh37 (hg19) VCF-style: chr6-7583211-ATC-A.
Other names: c.3920_3921del, p.Ile1307fs (NM_001008844.3); c.4388_4389del, p.Ile1463fs (NM_001319034.2); short protein forms I1307fs, I1463fs, I1906fs.
Identifiers: ClinVar variation 4851880 (VCV004851880.1).

ClinVar aggregate classification (germline): Likely pathogenic (1 of 4 stars; one submission).

Submission:

Dasa
Classification: Likely pathogenic. Last evaluated: 2024-08-21. Review status: criteria provided, single submitter. Criteria: DASA Assertion Criteria. Collection method: clinical testing. Allele origin: germline.
Comment: NM_004415.4(DSP):c.5717_5718del (p.Ile1906Lysfs*4) introduces a premature termination codon predicted to result in loss of normal protein function. Loss-of-function is an established mechanism of disease for this gene. Multiple computational predictions support a deleterious effect on the gene or gene product. Based on the available data, this variant is classified as likely pathogenic.